The following is an entry in ClinVar:

ClinVar aggregate classification (germline): Uncertain significance. Review status: criteria provided, multiple submitters, no conflicts (2 of 4 stars). 3 submissions from 3 submitters: Uncertain significance (2). 1 of the submissions does not count toward it. Last evaluated 2024-03-28.

Conditions:
Inborn genetic diseases. Identifiers: MedGen C0950123, MeSH D030342.
Bardet-Biedl syndrome 6 (BBS6). Identifiers: Orphanet 110, MedGen C1858054, MONDO:0011523, OMIM 605231.
McKusick-Kaufman syndrome (MKKS). Also called: HYDROMETROCOLPOS SYNDROME; HYDROMETROCOLPOS, POSTAXIAL POLYDACTYLY, AND CONGENITAL HEART MALFORMATION. Identifiers: Orphanet 2473, MedGen C0948368, MONDO:0009367, OMIM 236700.
MKKS-related disorder. Also called: MKKS-related condition; MKKS-related disorders.

gnomAD v4.1: 24 of 1,613,936 alleles (0.0015%); highest among the groups gnomAD compares: African/African-American, 0.0027%; no homozygotes.

Submissions (3):

Ambry Genetics
Classification: Uncertain significance for Inborn genetic diseases. Last evaluated: 2024-03-28. Review status: criteria provided, single submitter. Criteria: Ambry Variant Classification Scheme 2023. Collection method: clinical testing. Allele origin: germline.

Fulgent Genetics
Classification: Uncertain significance for McKusick-Kaufman syndrome; Bardet-Biedl syndrome 6. Last evaluated: 2024-01-08. Review status: criteria provided, single submitter. Criteria: ACMG Guidelines, 2015. Collection method: clinical testing. Allele origin: germline.

PreventionGenetics, part of Exact Sciences
Classification: Uncertain significance for MKKS-related condition. Last evaluated: 2024-04-30. Review status: no assertion criteria provided. Collection method: clinical testing. Allele origin: germline. Not counted in ClinVar's aggregate classification.
Comment: The MKKS c.475A>T variant is predicted to result in the amino acid substitution p.Thr159Ser. To our knowledge, this variant has not been reported in the literature. This variant is reported in 0.0062% of alleles in individuals of African descent in gnomAD. At this time, the clinical significance of this variant is uncertain due to the absence of conclusive functional and genetic evidence.

NM_170784.3(MKKS):c.475A>T (p.Thr159Ser)

Gene: MKKS (MKKS centrosomal shuttling protein; minus strand). Cytogenetic location: 20p12.2.
Variant type: single nucleotide variant.
Coding change: c.475A>T on transcript NM_170784.3 (MANE Select); coding-DNA position 475, A replaced by T.
Protein change: p.Thr159Ser; replaces threonine 159 with serine.
Molecular consequence: missense variant.
Genome position (GRCh38, 1-based): chr20:10,413,040, T>A on the plus strand (A>T on the coding strand, the complement: MKKS is on the minus strand). VCF-style: chr20-10413040-T-A. GRCh37 (hg19) VCF-style: chr20-10393688-T-A.
Other names: c.475A>T, p.Thr159Ser (NM_018848.3); short protein forms T159S.
Identifiers: ClinVar variation 3294995 (VCV003294995.3).